The following is an entry in ClinVar:

ClinVar aggregate classification (germline): Benign/Likely benign. Review status: criteria provided, multiple submitters, no conflicts (2 of 4 stars). 6 submissions from 6 submitters: Benign (5); Likely benign (1). Last evaluated 2026-01-27.

Conditions:
Brain small vessel disease 2A, autosomal dominant. Also called: Porencephaly 2. Identifiers: Orphanet 2940, Orphanet 99810, MedGen C3280970, MONDO:0013773, OMIM 614483.
Hemorrhage, intracerebral, susceptibility to (ICH). Also called: Stroke, hemorrhagic, susceptibility to. Identifiers: MedGen C3281105, MONDO:0100533, OMIM 614519.

Allele frequency attached by ClinVar (database versions not stated): gnomAD exomes 0.00082 and 0.00198; ExAC 0.00235; 1000 Genomes Project 0.00659; 1000 Genomes Project 30x 0.00718; gnomAD 0.00792 and 0.00870; ESP Exome Variant Server 0.00805; TOPMed 0.00914.
gnomAD v4.1: 2,428 of 1,613,886 alleles (0.15%); highest among the groups gnomAD compares: African/African-American, 2.8%; 31 homozygotes.

Submissions (6):

Labcorp Genetics (formerly Invitae), Labcorp
Classification: Benign. Last evaluated: 2026-01-27. Review status: criteria provided, single submitter. Criteria: Invitae Variant Classification Sherloc (09022015). Collection method: clinical testing. Allele origin: germline.

Mayo Clinic Laboratories, Mayo Clinic
Classification: Benign. Last evaluated: 2023-11-01. Review status: criteria provided, single submitter. Criteria: ACMG Guidelines, 2015. Collection method: clinical testing. Allele origin: germline. Observed: 5 variant alleles.
Comment: BS1, BS2, BP4, BP7

Fulgent Genetics
Classification: Likely benign for Brain small vessel disease 2A, autosomal dominant; Hemorrhage, intracerebral, susceptibility to. Last evaluated: 2021-09-13. Review status: criteria provided, single submitter. Criteria: ACMG Guidelines, 2015. Collection method: clinical testing. Allele origin: unknown.

GeneDx
Classification: Benign. Last evaluated: 2021-08-29. Review status: criteria provided, single submitter. Criteria: GeneDx Variant Classification Process June 2021. Collection method: clinical testing. Allele origin: germline. Affected: yes.

Illumina Laboratory Services, Illumina
Classification: Benign for Brain small vessel disease 2A, autosomal dominant. Last evaluated: 2018-01-13. Review status: criteria provided, single submitter. Criteria: ICSL Variant Classification Criteria 13 December 2019. Collection method: clinical testing. Allele origin: germline.
Comment: This variant was observed in the ICSL laboratory as part of a predisposition screen in an ostensibly healthy population. It had not been previously curated by ICSL or reported in the Human Gene Mutation Database (HGMD: prior to June 1st, 2018), and was therefore a candidate for classification through an automated scoring system. Utilizing variant allele frequency, disease prevalence and penetrance estimates, and inheritance mode, an automated score was calculated to assess if this variant is too frequent to cause the disease. Based on the score and internal cut-off values, a variant classified as benign is not then subjected to further curation. The score for this variant resulted in a classification of benign for this disease.

Breakthrough Genomics
Classification: Benign. Review status: criteria provided, single submitter. Criteria: ACMG Guidelines, 2015. Collection method: not provided. Allele origin: germline. Inheritance: Autosomal dominant inheritance. Affected: yes.

NM_001846.4(COL4A2):c.732C>T (p.Asp244=)

Gene: COL4A2 (collagen type IV alpha 2 chain; plus strand). Cytogenetic location: 13q34.
Variant type: single nucleotide variant.
Coding change: c.732C>T on transcript NM_001846.4 (MANE Select); coding-DNA position 732, C replaced by T.
Protein change: p.Asp244=; no amino-acid change (aspartic acid 244 retained).
Molecular consequence: synonymous variant.
Genome position (GRCh38, 1-based): chr13:110,436,274, C>T. VCF-style: chr13-110436274-C-T. GRCh37 (hg19) VCF-style: chr13-111088621-C-T.
Other names: p.Asp244=.
Identifiers: ClinVar variation 311110 (VCV000311110.18), dbSNP rs144319016, ClinGen allele CA7049093.